The following is an entry in ClinVar:

ClinVar aggregate classification (germline): Benign. Review status: criteria provided, multiple submitters, no conflicts (2 of 4 stars). 7 submissions from 6 submitters: Benign (6). 1 of the submissions does not count toward it. Last evaluated 2026-02-04.

Conditions:
Combined oxidative phosphorylation defect type 13. Also called: Combined oxidative phosphorylation deficiency 13. Identifiers: Orphanet 319514, MedGen C4706283, MONDO:0013977, OMIM 614932.
Autosomal recessive nonsyndromic hearing loss 70. Also called: Deafness, autosomal recessive 70. Identifiers: Orphanet 90636, MedGen C1824925, MONDO:0013978, OMIM 614934.

Allele frequency attached by ClinVar (database versions not stated): 1000 Genomes Project 0.35663; 1000 Genomes Project 30x 0.35837; TOPMed 0.46708; ExAC 0.48046; gnomAD 0.48255 and 0.48848; gnomAD exomes 0.48489; ESP Exome Variant Server 0.48677.
gnomAD v4.1: 843,175 of 1,612,156 alleles (52%); highest among the groups gnomAD compares: Middle Eastern, 56%; 227,961 homozygotes.

Submissions (8):

Labcorp Genetics (formerly Invitae), Labcorp
Classification: Benign. Last evaluated: 2026-02-04. Review status: criteria provided, single submitter. Criteria: Invitae Variant Classification Sherloc (09022015). Collection method: clinical testing. Allele origin: germline.

Blueprint Genetics
Classification: Benign. Last evaluated: 2024-11-26. Review status: criteria provided, single submitter. Criteria: ACMG Guidelines, 2015. Collection method: clinical testing. Allele origin: germline.

Genome-Nilou Lab
Classification: Benign for Combined oxidative phosphorylation defect type 13. Last evaluated: 2021-10-25. Review status: criteria provided, single submitter. Criteria: ACMG Guidelines, 2015. Collection method: clinical testing. Allele origin: germline. Affected: no.

Genome-Nilou Lab
Classification: Benign for Autosomal recessive nonsyndromic hearing loss 70. Last evaluated: 2021-10-25. Review status: criteria provided, single submitter. Criteria: ACMG Guidelines, 2015. Collection method: clinical testing. Allele origin: germline. Affected: no.

GeneDx
Classification: Benign. Last evaluated: 2013-09-05. Review status: criteria provided, single submitter. Criteria: GeneDx Variant Classification (06012015). Collection method: clinical testing. Allele origin: germline. Affected: yes.
Comment: This variant is considered likely benign or benign based on one or more of the following criteria: it is a conservative change, it occurs at a poorly conserved position in the protein, it is predicted to be benign by multiple in silico algorithms, and/or has population frequency not consistent with disease.

Breakthrough Genomics
Classification: Benign. Review status: criteria provided, single submitter. Criteria: ACMG Guidelines, 2015. Collection method: not provided. Allele origin: germline. Inheritance: Autosomal recessive inheritance. Affected: yes.

Mayo Clinic Laboratories, Mayo Clinic
Classification: Benign. Last evaluated: 2016-02-19. Review status: no assertion criteria provided. Collection method: clinical testing. Allele origin: unknown. Not counted in ClinVar's aggregate classification.

Dr. Peter K. Rogan Lab, Western University
No classification provided (evidence only). Condition: Germ cell tumor of testis. Review status: no classification provided. Collection method: in vitro. Allele origin: not applicable. Functional consequence: retained intron. Not counted in ClinVar's aggregate classification.

NM_033109.5(PNPT1):c.1390C>A (p.Arg464=)

Gene: PNPT1 (polyribonucleotide nucleotidyltransferase 1; minus strand). Cytogenetic location: 2p16.1.
Variant type: single nucleotide variant.
Coding change: c.1390C>A on transcript NM_033109.5 (MANE Select); coding-DNA position 1390, C replaced by A.
Protein change: p.Arg464=; no amino-acid change (arginine 464 retained).
Molecular consequence: synonymous variant.
Genome position (GRCh38, 1-based): chr2:55,656,182, G>T on the plus strand (C>A on the coding strand, the complement: PNPT1 is on the minus strand). VCF-style: chr2-55656182-G-T. GRCh37 (hg19) VCF-style: chr2-55883317-G-T.
Other names: p.R464R:CGA>AGA.
Identifiers: ClinVar variation 138737 (VCV000138737.18), dbSNP rs2627765, ClinGen allele CA292818.